The following is an entry in ClinVar:

NM_019032.6(ADAMTSL4):c.2704G>T (p.Ala902Ser)

Gene: ADAMTSL4 (ADAMTS like 4; plus strand). Cytogenetic location: 1q21.2.
Variant type: single nucleotide variant.
Coding change: c.2704G>T on transcript NM_019032.6 (MANE Select); coding-DNA position 2704, G replaced by T.
Protein change: p.Ala902Ser; replaces alanine 902 with serine.
Molecular consequence: missense variant.
Genome position (GRCh38, 1-based): chr1:150,559,106, G>T. VCF-style: chr1-150559106-G-T. GRCh37 (hg19) VCF-style: chr1-150531582-G-T.
Other names: c.2587G>T, p.Ala863Ser (NM_001288607.2); c.2773G>T, p.Ala925Ser (NM_001288608.2); c.2704G>T, p.Ala902Ser (NM_001378596.1); short protein forms A863S, A925S, A902S.
Identifiers: ClinVar variation 2081370 (VCV002081370.4), dbSNP rs376803411, ClinGen allele CA1078811.

ClinVar aggregate classification (germline): Uncertain significance (1 of 4 stars; one submission).

gnomAD v4.1: 2 of 1,612,754 alleles (0.00012%); highest among the groups gnomAD compares: Non-Finnish European, 0.00017%; no homozygotes.

Submission:

Labcorp Genetics (formerly Invitae), Labcorp
Classification: Uncertain significance. Last evaluated: 2022-08-23. Review status: criteria provided, single submitter. Criteria: Invitae Variant Classification Sherloc (09022015). Collection method: clinical testing. Allele origin: germline.
Comment: This variant is present in population databases (rs376803411, gnomAD 0.0009%). This sequence change replaces alanine, which is neutral and non-polar, with serine, which is neutral and polar, at codon 902 of the ADAMTSL4 protein (p.Ala902Ser). This variant has not been reported in the literature in individuals affected with ADAMTSL4-related conditions. In summary, the available evidence is currently insufficient to determine the role of this variant in disease. Therefore, it has been classified as a Variant of Uncertain Significance. Algorithms developed to predict the effect of missense changes on protein structure and function (SIFT, PolyPhen-2, Align-GVGD) all suggest that this variant is likely to be disruptive.